The following is an entry in ClinVar:

ClinVar aggregate classification (germline): Benign. Review status: criteria provided, multiple submitters, no conflicts (2 of 4 stars). 2 submissions from 2 submitters: Benign (2). Last evaluated 2018-01-13.

Conditions:
Heterotaxy, visceral, 4, autosomal (HTX4). Identifiers: Orphanet 450, MedGen C3151057, MONDO:0013403, OMIM 613751.

Allele frequency attached by ClinVar (database versions not stated): gnomAD exomes 0.01724; gnomAD 0.05874 and 0.06135; TOPMed 0.06932; 1000 Genomes Project 30x 0.09369; 1000 Genomes Project 0.09385.
gnomAD v4.1: 9,289 of 152,458 alleles (6.1%); highest among the groups gnomAD compares: East Asian, 19%; 455 homozygotes.

Submissions (2):

Illumina Laboratory Services, Illumina
Classification: Benign for Heterotaxy, visceral, 4, autosomal. Last evaluated: 2018-01-13. Review status: criteria provided, single submitter. Criteria: ICSL Variant Classification Criteria 13 December 2019. Collection method: clinical testing. Allele origin: germline.
Comment: This variant was observed in the ICSL laboratory as part of a predisposition screen in an ostensibly healthy population. It had not been previously curated by ICSL or reported in the Human Gene Mutation Database (HGMD: prior to June 1st, 2018), and was therefore a candidate for classification through an automated scoring system. Utilizing variant allele frequency, disease prevalence and penetrance estimates, and inheritance mode, an automated score was calculated to assess if this variant is too frequent to cause the disease. Based on the score and internal cut-off values, a variant classified as benign is not then subjected to further curation. The score for this variant resulted in a classification of benign for this disease.

Breakthrough Genomics
Classification: Benign. Review status: criteria provided, single submitter. Criteria: ACMG Guidelines, 2015. Collection method: not provided. Allele origin: germline. Inheritance: Unknown mechanism. Affected: yes.

NM_001106.4(ACVR2B):c.*6948G>A

Gene: ACVR2B (activin A receptor type 2B; plus strand). Cytogenetic location: 3p22.2.
Variant type: single nucleotide variant.
Coding change: c.*6948G>A on transcript NM_001106.4 (MANE Select); 6948 bases downstream of the stop codon, G replaced by A.
Molecular consequence: 3 prime UTR variant.
Genome position (GRCh38, 1-based): chr3:38,490,280, G>A. VCF-style: chr3-38490280-G-A. GRCh37 (hg19) VCF-style: chr3-38531771-G-A.
Identifiers: ClinVar variation 345015 (VCV000345015.6), dbSNP rs62241768, ClinGen allele CA10618635.
Genomic context (GRCh38, chr3:38,490,280, plus strand): 5'-ATGGCCAGTCCTGAGGCCCAGCTGAAGACCTGTCCCCCAGACCCTGCCCGCTGGCTTCAG[G>A]CTGCTGCTTCTAGACAGAGGTGCACTGGACGGGATAGTTTTATCAAGAGAATCCCTAATG-3'